The following is an entry in ClinVar:

ClinVar aggregate classification (germline): Uncertain significance (1 of 4 stars; one submission).

Conditions:
Anemia, nonspherocytic hemolytic, due to G6PD deficiency (CNSHA1). Also called: Hemolytic anemia due to G6PD deficiency; ANEMIA, CONGENITAL, NONSPHEROCYTIC HEMOLYTIC, 1; Class I glucose-6-phosphate dehydrogenase deficiency; Favism, susceptibility to. Identifiers: Orphanet 466026, MedGen C2720289, MONDO:0010480, OMIM 300908.

Submission:

Labcorp Genetics (formerly Invitae), Labcorp
Classification: Uncertain significance for Anemia, nonspherocytic hemolytic, due to G6PD deficiency. Last evaluated: 2023-04-09. Review status: criteria provided, single submitter. Criteria: Invitae Variant Classification Sherloc (09022015). Collection method: clinical testing. Allele origin: germline.
Comment: This sequence change replaces valine, which is neutral and non-polar, with glutamic acid, which is acidic and polar, at codon 499 of the G6PD protein (p.Val499Glu). This variant is not present in population databases (gnomAD no frequency). This variant has not been reported in the literature in individuals affected with G6PD-related conditions. Advanced modeling of protein sequence and biophysical properties (such as structural, functional, and spatial information, amino acid conservation, physicochemical variation, residue mobility, and thermodynamic stability) has been performed at Invitae for this missense variant, however the output from this modeling did not meet the statistical confidence thresholds required to predict the impact of this variant on G6PD protein function. In summary, the available evidence is currently insufficient to determine the role of this variant in disease. Therefore, it has been classified as a Variant of Uncertain Significance.

NM_001360016.2(G6PD):c.1496T>A (p.Val499Glu)

Gene: G6PD (glucose-6-phosphate dehydrogenase; minus strand). Cytogenetic location: Xq28.
Variant type: single nucleotide variant.
Coding change: c.1496T>A on transcript NM_001360016.2 (MANE Select); coding-DNA position 1496, T replaced by A.
Protein change: p.Val499Glu; replaces valine 499 with glutamic acid.
Molecular consequence: missense variant.
Genome position (GRCh38, 1-based): chrX:154,532,052, A>T on the plus strand (T>A on the coding strand, the complement: G6PD is on the minus strand). VCF-style: chrX-154532052-A-T. GRCh37 (hg19) VCF-style: chrX-153760267-A-T.
Other names: c.1586T>A, p.Val529Glu (NM_000402.4); c.1496T>A, p.Val499Glu (NM_001042351.3); short protein forms V499E, V529E.
Identifiers: ClinVar variation 3000631 (VCV003000631.3), dbSNP rs2523260539, ClinGen allele CA415231986.